The following is an entry in ClinVar:

ClinVar aggregate classification (germline): Pathogenic (1 of 4 stars; one submission).

Conditions:
Neurofibromatosis, type 1 (NF1). Also called: VON RECKLINGHAUSEN DISEASE; NEUROFIBROMATOSIS, TYPE I, SOMATIC; Peripheral type neurofibromatosis; Neurofibromatosis, type I. Identifiers: Orphanet 636, MedGen C0027831, MONDO:0018975, OMIM 162200. Disease mechanism: loss of function.

Submission:

Labcorp Genetics (formerly Invitae), Labcorp
Classification: Pathogenic for Neurofibromatosis, type 1. Last evaluated: 2017-10-10. Review status: criteria provided, single submitter. Criteria: Invitae Variant Classification Sherloc (09022015). Collection method: clinical testing. Allele origin: germline.
Comment: A gross deletion of the genomic region encompassing the full coding sequence of the NF1 gene has been identified. The boundaries of this event are unknown as the deletion extends beyond the assayed region for this gene and therefore may encompass additional genes. Loss-of-function variants in NF1 are known to be pathogenic. Gross deletions of the whole NF1 gene have been observed in many individuals with neurofibromatosis type 1 (PMID: 8116612, 8931693, 9643287). For these reasons, this variant has been classified as Pathogenic.

Literature cited by the submitters: PubMed 9643287; PubMed 8116612; PubMed 8931693.

NC_000017.11:g.(?_31095304)_(31156132_?)del

Genes: MIR4733HG (MIR4733 host gene; minus strand), NF1 (neurofibromin 1; plus strand), LOC108281169 (NF1 intron 1 Alu-mediated recombination region; plus strand), LOC111811965 (NF1 (neurofibromin 1) promoter region; plus strand). Cytogenetic location: 17q11.2.
Variant type: Deletion.
Identifiers: ClinVar variation 457497 (VCV000457497.1).